The following is an entry in ClinVar:

ClinVar aggregate classification (germline): Likely pathogenic (1 of 4 stars; one submission).

Submission:

Center for Genomic Medicine, Rigshospitalet, Copenhagen University Hospital
Classification: Likely pathogenic. Last evaluated: 2025-12-29. Review status: criteria provided, single submitter. Criteria: ACMG Guidelines, 2015. Collection method: clinical testing. Allele origin: germline.
Comment: Classification criteria: PVS1, PM2_Supporting

NM_000518.5(HBB):c.331del (p.Leu111fs)

Genes: HBB (hemoglobin subunit beta; minus strand), LOC107133510 (origin of replication at HBB; plus strand), LOC110006319 (beta-globin gene 3' regulatory region; plus strand). Cytogenetic location: 11p15.4.
Variant type: Deletion.
Coding change: c.331del on transcript NM_000518.5 (MANE Select); coding-DNA position 331, one base deleted (C; older notation c.331delC).
Protein change: p.Leu111fs; shifts the reading frame from leucine 111.
Molecular consequence: frameshift variant.
Genome position (GRCh38, 1-based): chr11:5,225,711, G deleted on the plus strand (C on the coding strand, the reverse complement: HBB is on the minus strand). VCF-style (leftmost placement, unchanged base first): chr11-5225710-AG-A. GRCh37 (hg19) VCF-style: chr11-5246940-AG-A.
Other names: c.331delC (NM_000518.5); short protein forms L111fs.
Identifiers: ClinVar variation 4539279 (VCV004539279.1).